The following is an entry in ClinVar:

NM_000038.6(APC):c.8165T>A (p.Leu2722Gln)

Gene: APC (APC regulator of Wnt signaling pathway; plus strand). Cytogenetic location: 5q22.2.
Variant type: single nucleotide variant.
Coding change: c.8165T>A on transcript NM_000038.6 (MANE Select); coding-DNA position 8165, T replaced by A.
Protein change: p.Leu2722Gln; replaces leucine 2722 with glutamine.
Molecular consequence: missense variant.
Genome position (GRCh38, 1-based): chr5:112,843,759, T>A. VCF-style: chr5-112843759-T-A. GRCh37 (hg19) VCF-style: chr5-112179456-T-A.
Other names: c.8165T>A, p.Leu2722Gln (NM_001127510.3, NM_001354895.2); c.8111T>A, p.Leu2704Gln (NM_001127511.3); c.8219T>A, p.Leu2740Gln (NM_001354896.2); c.8195T>A, p.Leu2732Gln (NM_001354897.2); c.8090T>A, p.Leu2697Gln (NM_001354898.2); c.8081T>A, p.Leu2694Gln (NM_001354899.2); c.8042T>A, p.Leu2681Gln (NM_001354900.2); c.7988T>A, p.Leu2663Gln (NM_001354901.2); and 5 more; short protein forms L2439Q, L2562Q, L2596Q, L2621Q, L2631Q, L2663Q, L2681Q, L2694Q.
Identifiers: ClinVar variation 1001493 (VCV001001493.10), dbSNP rs757420538, ClinGen allele CA16039055.

ClinVar aggregate classification (germline): Uncertain significance (1 of 4 stars; one submission).

Conditions:
Familial adenomatous polyposis 1 (FAP1). Also called: FAMILIAL ADENOMATOUS POLYPOSIS 1, ATTENUATED; POLYPOSIS, ADENOMATOUS INTESTINAL. Identifiers: MedGen C2713442, MONDO:0021056, OMIM 175100. Disease mechanism: loss of function.

gnomAD v4.1: 2 of 1,614,086 alleles (0.00012%); highest among the groups gnomAD compares: East Asian, 0.0045%; no homozygotes.

Submission:

Labcorp Genetics (formerly Invitae), Labcorp
Classification: Uncertain significance for Familial adenomatous polyposis 1. Last evaluated: 2021-07-17. Review status: criteria provided, single submitter. Criteria: Invitae Variant Classification Sherloc (09022015). Collection method: clinical testing. Allele origin: germline.
Comment: Algorithms developed to predict the effect of missense changes on protein structure and function (SIFT, PolyPhen-2, Align-GVGD) all suggest that this variant is likely to be tolerated, but these predictions have not been confirmed by published functional studies and their clinical significance is uncertain. This variant has not been reported in the literature in individuals with APC-related conditions. This variant is not present in population databases (ExAC no frequency). This sequence change replaces leucine with glutamine at codon 2722 of the APC protein (p.Leu2722Gln). The leucine residue is moderately conserved and there is a moderate physicochemical difference between leucine and glutamine. In summary, the available evidence is currently insufficient to determine the role of this variant in disease. Therefore, it has been classified as a Variant of Uncertain Significance.